The following is an entry in ClinVar:

ClinVar aggregate classification (germline): Likely benign. Review status: criteria provided, multiple submitters, no conflicts (2 of 4 stars). 2 submissions from 2 submitters: Likely benign (2). Last evaluated 2024-09-03.

Conditions:
Fanconi anemia complementation group J. Also called: BRIP1-Related Fanconi Anemia. Identifiers: Orphanet 84, MedGen C1836860, MONDO:0012187, OMIM 609054.
Familial cancer of breast. Also called: Hereditary breast cancer; BREAST CANCER, FAMILIAL; hereditary breast carcinoma. Identifiers: Orphanet 227535, MedGen C0346153, MONDO:0016419, OMIM 114480. Disease mechanism: loss of function.

Submissions (2):

Myriad Genetics, Inc.
Classification: Likely benign for Familial cancer of breast. Last evaluated: 2024-09-03. Review status: criteria provided, single submitter. Criteria: Myriad Autosomal Dominant, Autosomal Recessive and X-Linked Classification Criteria (2023). Collection method: clinical testing. Allele origin: unknown.
Comment: This variant is considered likely benign. This variant is intronic and is not expected to impact mRNA splicing.

Labcorp Genetics (formerly Invitae), Labcorp
Classification: Likely benign for Familial cancer of breast; Fanconi anemia complementation group J. Last evaluated: 2016-08-19. Review status: criteria provided, single submitter. Criteria: Invitae Variant Classification Sherloc (09022015). Collection method: clinical testing. Allele origin: germline.

NM_032043.3(BRIP1):c.2097+8A>G

Gene: BRIP1 (BRCA1 interacting DNA helicase 1; minus strand). Cytogenetic location: 17q23.2.
Variant type: single nucleotide variant.
Coding change: c.2097+8A>G on transcript NM_032043.3 (MANE Select); 8 bases into the intron after coding-DNA position 2097, A replaced by G.
Molecular consequence: intron variant.
Genome position (GRCh38, 1-based): chr17:61,776,393, T>C on the plus strand (A>G on the coding strand, the complement: BRIP1 is on the minus strand). VCF-style: chr17-61776393-T-C. GRCh37 (hg19) VCF-style: chr17-59853754-T-C.
Identifiers: ClinVar variation 414673 (VCV000414673.12), dbSNP rs730881642, ClinGen allele CA16615809.